The following is an entry in ClinVar:

ClinVar aggregate classification (germline): Pathogenic (1 of 4 stars; one submission).

Conditions:
Mevalonic aciduria (MEVA). Identifiers: Orphanet 29, MedGen C1959626, MONDO:0012481, OMIM 610377.
Porokeratosis 3, disseminated superficial actinic type (POROK3). Also called: POROKERATOSIS 3, MULTIPLE TYPES; POROKERATOSIS 3, MIBELLI TYPE; POROKERATOSIS, DISSEMINATED SUPERFICIAL ACTINIC, 1. Identifiers: MedGen C1867981, MONDO:0008293, OMIM 175900.
Hyperimmunoglobulin D with periodic fever (HIDS). Also called: HYPERIMMUNOGLOBULINEMIA D AND PERIODIC FEVER SYNDROME; Hyperimmunoglobulinemia D; Hyperimmunoglobulinemia D with periodic fever. Identifiers: Orphanet 343, MedGen C0398691, MONDO:0009849, OMIM 260920.

Submission:

Labcorp Genetics (formerly Invitae), Labcorp
Classification: Pathogenic for Mevalonic aciduria; Hyperimmunoglobulin D with periodic fever; Porokeratosis 3, disseminated superficial actinic type. Last evaluated: 2023-03-08. Review status: criteria provided, single submitter. Criteria: Invitae Variant Classification Sherloc (09022015). Collection method: clinical testing. Allele origin: unknown.
Comment: For these reasons, this variant has been classified as Pathogenic. This variant has not been reported in the literature in individuals affected with MVK-related conditions. This variant is a gross deletion of the genomic region encompassing exon(s) 8-9 of the MVK gene. This deletion is out-of-frame, and is expected to create a premature termination codon and result in an absent or disrupted protein product. Loss-of-function variants in MVK are known to be pathogenic (PMID: 16835861, 17105862, 23834120).

Literature cited by the submitters: PubMed 16835861; PubMed 17105862; PubMed 23834120.

NC_000012.11:g.(?_110028556)_(110029182_?)del

Gene: MVK (mevalonate kinase; plus strand). Cytogenetic location: 12q24.11.
Variant type: Deletion.
Identifiers: ClinVar variation 3244321 (VCV003244321.1).